The following is an entry in ClinVar:

ClinVar aggregate classification (germline): Uncertain significance. Review status: criteria provided, multiple submitters, no conflicts (2 of 4 stars). 3 submissions from 3 submitters: Uncertain significance (3). Last evaluated 2025-04-23.

Conditions:
Dilated cardiomyopathy 1KK (CMD1KK). Identifiers: Orphanet 154, Orphanet 75249, MedGen C3714995, MONDO:0014100, OMIM 615248.
Cardiovascular phenotype. Identifiers: MedGen CN230736.

Allele frequency attached by ClinVar (database versions not stated): ExAC 0.00001; gnomAD 0.00001; gnomAD exomes 0.00001; TOPMed 0.00001.
gnomAD v4.1: 7 of 1,614,064 alleles (0.00043%); highest among the groups gnomAD compares: Non-Finnish European, 0.00051%; no homozygotes.

Submissions (3):

GeneDx
Classification: Uncertain significance. Last evaluated: 2025-04-23. Review status: criteria provided, single submitter. Criteria: GeneDx Variant Classification Process June 2021. Collection method: clinical testing. Allele origin: germline. Affected: yes.
Comment: Not observed at significant frequency in large population cohorts (gnomAD); In silico analysis indicates that this missense variant does not alter protein structure/function; Has not been previously published as pathogenic or benign to our knowledge

Ambry Genetics
Classification: Uncertain significance for Cardiovascular phenotype. Last evaluated: 2025-02-28. Review status: criteria provided, single submitter. Criteria: Ambry Variant Classification Scheme 2023. Collection method: clinical testing. Allele origin: germline.
Comment: The p.S1299F variant (also known as c.3896C>T), located in coding exon 19 of the MYPN gene, results from a C to T substitution at nucleotide position 3896. The serine at codon 1299 is replaced by phenylalanine, an amino acid with highly dissimilar properties. This amino acid position is not well conserved in available vertebrate species. In addition, this alteration is predicted to be tolerated by in silico analysis. Based on the available evidence, the clinical significance of this variant remains unclear.

Labcorp Genetics (formerly Invitae), Labcorp
Classification: Uncertain significance for Dilated cardiomyopathy 1KK. Last evaluated: 2022-06-22. Review status: criteria provided, single submitter. Criteria: Invitae Variant Classification Sherloc (09022015). Collection method: clinical testing. Allele origin: germline.
Comment: This sequence change replaces serine, which is neutral and polar, with phenylalanine, which is neutral and non-polar, at codon 1299 of the MYPN protein (p.Ser1299Phe). This variant is present in population databases (rs748628394, gnomAD 0.002%). This variant has not been reported in the literature in individuals affected with MYPN-related conditions. Algorithms developed to predict the effect of missense changes on protein structure and function are either unavailable or do not agree on the potential impact of this missense change (SIFT: "Deleterious"; PolyPhen-2: "Possibly Damaging"; Align-GVGD: "Class C0"). In summary, the available evidence is currently insufficient to determine the role of this variant in disease. Therefore, it has been classified as a Variant of Uncertain Significance.

NM_032578.4(MYPN):c.3896C>T (p.Ser1299Phe)

Gene: MYPN (myopalladin; plus strand). Cytogenetic location: 10q21.3.
Variant type: single nucleotide variant.
Coding change: c.3896C>T on transcript NM_032578.4 (MANE Select); coding-DNA position 3896, C replaced by T.
Protein change: p.Ser1299Phe; replaces serine 1299 with phenylalanine.
Molecular consequence: missense variant. On other transcripts: non-coding transcript variant (2).
Genome position (GRCh38, 1-based): chr10:68,210,388, C>T. VCF-style: chr10-68210388-C-T. GRCh37 (hg19) VCF-style: chr10-69970145-C-T.
Other names: c.3896C>T (NM_032578.2); c.3896C>T, p.Ser1299Phe (NM_001256267.2); c.3014C>T, p.Ser1005Phe (NM_001256268.2); short protein forms S1005F, S1299F.
Identifiers: ClinVar variation 2162054 (VCV002162054.3), dbSNP rs748628394, ClinGen allele CA5523184.
Genomic context (GRCh38, chr10:68,210,388, plus strand): 5'-CCAGTGGCAGTCGCTACGGATCTCTCACCAGTAAAGGACTTGACATATTTTCTGCCTTTT[C>T]CTCCATGGAAAGCACGATGGTGTATTCATGCTCTTCTCGGAGTGTAGTGGAGAGTGATGA-3'
Protein context (NP_115967.2, residues 1289-1309): SKGLDIFSAF[Ser1299Phe]SMESTMVYSC